The following is an entry in ClinVar:

NM_025114.4(CEP290):c.5805dup (p.Val1936fs)

Gene: CEP290 (centrosomal protein 290; minus strand). Cytogenetic location: 12q21.32.
Variant type: Duplication.
Coding change: c.5805dup on transcript NM_025114.4 (MANE Select); coding-DNA position 5805, one base duplicated (A; older notation c.5805dupA).
Protein change: p.Val1936fs; shifts the reading frame from valine 1936.
Molecular consequence: frameshift variant.
Genome position (GRCh38, 1-based): chr12:88,071,831, T duplicated on the plus strand (A on the coding strand, the reverse complement: CEP290 is on the minus strand); the first of 2 consecutive T bases (chr12:88,071,831-88,071,832); duplicating either gives the same sequence. VCF-style (leftmost placement, unchanged base first): chr12-88071830-C-CT. GRCh37 (hg19) VCF-style: chr12-88465607-C-CT.
Other names: short protein forms V1936fs.
Identifiers: ClinVar variation 2945075 (VCV002945075.3), dbSNP rs2499741922, ClinGen allele CA2740092456.

ClinVar aggregate classification (germline): Pathogenic (1 of 4 stars; one submission).

Conditions:
Joubert syndrome. Also called: CEREBELLOPARENCHYMAL DISORDER IV; JOUBERT-BOLTSHAUSER SYNDROME; Familial aplasia of the vermis. Identifiers: Orphanet 475, MedGen C5979921, MONDO:0018772.
Nephronophthisis. Also called: Juvenile Nephronophthisis. Identifiers: Orphanet 655, MedGen C0687120, MONDO:0019005, HP:0000090.
Meckel-Gruber syndrome. Also called: DYSENCEPHALIA SPLANCHNOCYSTICA; GRUBER SYNDROME; Dysencephalia splachnocystica. Identifiers: Orphanet 564, MedGen C0265215, MONDO:0018921.

Submission:

Labcorp Genetics (formerly Invitae), Labcorp
Classification: Pathogenic for Joubert syndrome; Meckel-Gruber syndrome; Nephronophthisis. Last evaluated: 2023-03-08. Review status: criteria provided, single submitter. Criteria: Invitae Variant Classification Sherloc (09022015). Collection method: clinical testing. Allele origin: germline.
Comment: For these reasons, this variant has been classified as Pathogenic. This variant has not been reported in the literature in individuals affected with CEP290-related conditions. This variant is not present in population databases (gnomAD no frequency). This sequence change creates a premature translational stop signal (p.Val1936Serfs*20) in the CEP290 gene. It is expected to result in an absent or disrupted protein product. Loss-of-function variants in CEP290 are known to be pathogenic (PMID: 16909394, 17345604, 20690115).

Literature cited by the submitters: PubMed 16909394; PubMed 17345604; PubMed 20690115.